The following is an entry in ClinVar:

ClinVar aggregate classification (germline): Pathogenic (1 of 4 stars; one submission).

Conditions:
Neurodegeneration with brain iron accumulation 6 (NBIA6). Also called: COASY protein-associated neurodegeneration. Identifiers: Orphanet 397725, MedGen C4517377, MONDO:0014290, OMIM 615643.

Submission:

Labcorp Genetics (formerly Invitae), Labcorp
Classification: Pathogenic for Neurodegeneration with brain iron accumulation 6. Last evaluated: 2023-04-28. Review status: criteria provided, single submitter. Criteria: Invitae Variant Classification Sherloc (09022015). Collection method: clinical testing. Allele origin: germline.
Comment: This sequence change creates a premature translational stop signal (p.Tyr141*) in the COASY gene. It is expected to result in an absent or disrupted protein product. Loss-of-function variants in COASY are known to be pathogenic (PMID: 24360804, 30089828). For these reasons, this variant has been classified as Pathogenic. This variant has not been reported in the literature in individuals affected with COASY-related conditions. This variant is not present in population databases (gnomAD no frequency).

Literature cited by the submitters: PubMed 24360804; PubMed 30089828.

NM_025233.7(COASY):c.423C>A (p.Tyr141Ter)

Gene: COASY (Coenzyme A synthase; plus strand). Cytogenetic location: 17q21.2.
Variant type: single nucleotide variant.
Coding change: c.423C>A on transcript NM_025233.7 (MANE Select); coding-DNA position 423, C replaced by A.
Protein change: p.Tyr141Ter; replaces tyrosine 141 with a stop codon.
Molecular consequence: nonsense.
Genome position (GRCh38, 1-based): chr17:42,563,045, C>A. VCF-style: chr17-42563045-C-A. GRCh37 (hg19) VCF-style: chr17-40715063-C-A.
Other names: c.423C>A, p.Tyr141Ter (NM_001042529.3); c.510C>A, p.Tyr170Ter (NM_001042532.4); short protein forms Y141*, Y170*.
Identifiers: ClinVar variation 2716492 (VCV002716492.3), dbSNP rs1475720319, ClinGen allele CA399617900.